The following is an entry in ClinVar:

ClinVar aggregate classification (germline): Uncertain significance (1 of 4 stars; one submission).

Conditions:
Autosomal dominant polycystic kidney disease. Identifiers: Orphanet 730, MedGen C0085413, MONDO:0004691.

Allele frequency attached by ClinVar (database versions not stated): gnomAD exomes below 0.00001; TOPMed 0.00001.
gnomAD v4.1: 1 of 1,614,012 alleles (0.000062%); highest among the groups gnomAD compares: Admixed American, 0.0017%; no homozygotes.

Submission:

Labcorp Genetics (formerly Invitae), Labcorp
Classification: Uncertain significance for Autosomal dominant polycystic kidney disease. Last evaluated: 2023-01-15. Review status: criteria provided, single submitter. Criteria: Invitae Variant Classification Sherloc (09022015). Collection method: clinical testing. Allele origin: germline.
Comment: This variant has not been reported in the literature in individuals affected with PKD2-related conditions. This variant is present in population databases (no rsID available, gnomAD 0.003%). This sequence change replaces serine, which is neutral and polar, with proline, which is neutral and non-polar, at codon 795 of the PKD2 protein (p.Ser795Pro). Advanced modeling of protein sequence and biophysical properties (such as structural, functional, and spatial information, amino acid conservation, physicochemical variation, residue mobility, and thermodynamic stability) has been performed at Invitae for this missense variant, however the output from this modeling did not meet the statistical confidence thresholds required to predict the impact of this variant on PKD2 protein function. In summary, the available evidence is currently insufficient to determine the role of this variant in disease. Therefore, it has been classified as a Variant of Uncertain Significance.

NM_000297.4(PKD2):c.2383T>C (p.Ser795Pro)

Gene: PKD2 (polycystin 2, transient receptor potential cation channel; plus strand). Cytogenetic location: 4q22.1.
Variant type: single nucleotide variant.
Coding change: c.2383T>C on transcript NM_000297.4 (MANE Select); coding-DNA position 2383, T replaced by C.
Protein change: p.Ser795Pro; replaces serine 795 with proline.
Molecular consequence: missense variant. On other transcripts: non-coding transcript variant (1).
Genome position (GRCh38, 1-based): chr4:88,067,922, T>C. VCF-style: chr4-88067922-T-C. GRCh37 (hg19) VCF-style: chr4-88989074-T-C.
Other names: short protein forms S795P.
Identifiers: ClinVar variation 1924576 (VCV001924576.5), dbSNP rs1203706764, ClinGen allele CA357626587.